The following is an entry in ClinVar:

NM_001903.5(CTNNA1):c.1032G>T (p.Leu344=)

Gene: CTNNA1 (catenin alpha 1; plus strand). Cytogenetic location: 5q31.2.
Variant type: single nucleotide variant.
Coding change: c.1032G>T on transcript NM_001903.5 (MANE Select); coding-DNA position 1032, G replaced by T.
Protein change: p.Leu344=; no amino-acid change (leucine 344 retained).
Molecular consequence: synonymous variant.
Genome position (GRCh38, 1-based): chr5:138,827,688, G>T. VCF-style: chr5-138827688-G-T. GRCh37 (hg19) VCF-style: chr5-138163377-G-T.
Other names: c.1032G>T, p.Leu344= (NM_001290307.3, NM_001323982.2, NM_001323983.1 and 3 more transcripts); c.723G>T, p.Leu241= (NM_001290309.3); c.663G>T, p.Leu221= (NM_001290310.3); c.1032G>T (NM_001903.4).
Identifiers: ClinVar variation 700916 (VCV000700916.18), dbSNP rs750655307, ClinGen allele CA3431603.
Genomic context (GRCh38, chr5:138,827,688, plus strand): 5'-CACGCGTGATGACCGTCGTGAGCGAATTGTGGCAGAGTGTAATGCTGTCCGCCAGGCCCT[G>T]CAGGACCTGCTTTCGGAGTACATGGGCAATGTGAGTTTGACAGCTTTTCTTTGAAGTAAG-3'
Protein context (NP_001894.2, residues 334-354): VAECNAVRQA[Leu344=]QDLLSEYMGN

ClinVar aggregate classification (germline): Benign/Likely benign. Review status: criteria provided, multiple submitters, no conflicts (2 of 4 stars). 6 submissions from 6 submitters: Benign (1); Likely benign (4). 1 of the submissions does not count toward it. Last evaluated 2026-01-31.

Conditions:
CTNNA1-related disorder. Also called: CTNNA1-related condition.
Hereditary cancer-predisposing syndrome. Also called: Neoplastic Syndromes, Hereditary; Hereditary neoplastic syndrome; Hereditary Cancer Syndrome; Tumor predisposition. Identifiers: Orphanet 140162, MedGen C0027672, MeSH D009386, MONDO:0015356.
Hereditary diffuse gastric adenocarcinoma (HDGC). Also called: DIFFUSE GASTRIC AND LOBULAR BREAST CANCER SYNDROME. Identifiers: Orphanet 26106, MedGen C1708349, MONDO:0007648, OMIM 137215.

Allele frequency attached by ClinVar (database versions not stated): gnomAD 0.00001; TOPMed 0.00001.
gnomAD v4.1: 80 of 1,614,106 alleles (0.005%); highest among the groups gnomAD compares: Non-Finnish European, 0.0067%; no homozygotes.

Submissions (6):

Labcorp Genetics (formerly Invitae), Labcorp
Classification: Likely benign. Last evaluated: 2026-01-31. Review status: criteria provided, single submitter. Criteria: Invitae Variant Classification Sherloc (09022015). Collection method: clinical testing. Allele origin: germline.

Center for Genomic Medicine, Rigshospitalet, Copenhagen University Hospital
Classification: Likely benign. Last evaluated: 2025-12-29. Review status: criteria provided, single submitter. Criteria: ACMG Guidelines, 2015. Collection method: clinical testing. Allele origin: germline.

Myriad Genetics, Inc.
Classification: Benign for Hereditary diffuse gastric adenocarcinoma. Last evaluated: 2024-10-10. Review status: criteria provided, single submitter. Criteria: Myriad Autosomal Dominant, Autosomal Recessive and X-Linked Classification Criteria (2023). Collection method: clinical testing. Allele origin: unknown.
Comment: This variant is considered benign. This variant is a silent/synonymous amino acid change and it is not expected to impact splicing.

Blueprint Genetics
Classification: Likely benign. Last evaluated: 2022-06-22. Review status: criteria provided, single submitter. Criteria: ACMG Guidelines, 2015. Collection method: clinical testing. Allele origin: germline.

Ambry Genetics
Classification: Likely benign for Hereditary cancer-predisposing syndrome. Last evaluated: 2021-05-28. Review status: criteria provided, single submitter. Criteria: Ambry Variant Classification Scheme 2023. Collection method: clinical testing. Allele origin: germline.

PreventionGenetics, part of Exact Sciences
Classification: Likely benign for CTNNA1-related condition. Last evaluated: 2023-10-11. Review status: no assertion criteria provided. Collection method: clinical testing. Allele origin: germline. Not counted in ClinVar's aggregate classification.
Comment: This variant is classified as likely benign based on ACMG/AMP sequence variant interpretation guidelines (Richards et al. 2015 PMID: 25741868, with internal and published modifications).